The following is an entry in ClinVar:

ClinVar aggregate classification (germline): Uncertain significance (1 of 4 stars; one submission).

Conditions:
IFT74-related disorder. Also called: IFT74-related condition; IFT74-Related Disorders.

gnomAD v4.1: 3 of 1,590,208 alleles (0.00019%); highest among the groups gnomAD compares: Admixed American, 0.0035%; no homozygotes.

Submission:

PreventionGenetics, part of Exact Sciences
Classification: Uncertain significance for IFT74-related condition. Last evaluated: 2025-06-07. Review status: criteria provided, single submitter. Criteria: ACMG Guidelines, 2015. Collection method: clinical testing. Allele origin: germline.
Comment: The IFT74 c.1220T>C variant is predicted to result in the amino acid substitution p.Ile407Thr. To our knowledge, this variant has not been reported in the literature. This variant is reported in 0.0058% of alleles in individuals of East Asian descent in gnomAD. At this time, the clinical significance of this variant is uncertain due to the absence of conclusive functional and genetic evidence.

NM_025103.4(IFT74):c.1220T>C (p.Ile407Thr)

Gene: IFT74 (intraflagellar transport 74; plus strand). Cytogenetic location: 9p21.2.
Variant type: single nucleotide variant.
Coding change: c.1220T>C on transcript NM_025103.4 (MANE Select); coding-DNA position 1220, T replaced by C.
Protein change: p.Ile407Thr; replaces isoleucine 407 with threonine.
Molecular consequence: missense variant.
Genome position (GRCh38, 1-based): chr9:27,048,161, T>C. VCF-style: chr9-27048161-T-C. GRCh37 (hg19) VCF-style: chr9-27048159-T-C.
Other names: c.1220T>C, p.Ile407Thr (NM_001099222.3, NM_001099223.3, NM_001349928.2); short protein forms I407T.
Identifiers: ClinVar variation 4999223 (VCV004999223.1).